The following is an entry in ClinVar:

ClinVar aggregate classification (germline): Uncertain significance (1 of 4 stars; one submission).

gnomAD v4.1: 2 of 1,611,852 alleles (0.00012%); highest among the groups gnomAD compares: Non-Finnish European, 0.00017%; no homozygotes.

Submission:

Labcorp Genetics (formerly Invitae), Labcorp
Classification: Uncertain significance. Last evaluated: 2022-06-15. Review status: criteria provided, single submitter. Criteria: Invitae Variant Classification Sherloc (09022015). Collection method: clinical testing. Allele origin: germline.
Comment: This sequence change replaces serine, which is neutral and polar, with threonine, which is neutral and polar, at codon 3467 of the PCLO protein (p.Ser3467Thr). In summary, the available evidence is currently insufficient to determine the role of this variant in disease. Therefore, it has been classified as a Variant of Uncertain Significance. Algorithms developed to predict the effect of missense changes on protein structure and function are either unavailable or do not agree on the potential impact of this missense change (SIFT: "Tolerated"; PolyPhen-2: "Not Available"; Align-GVGD: "Class C0"). This variant has not been reported in the literature in individuals affected with PCLO-related conditions. This variant is not present in population databases (gnomAD no frequency).

NM_033026.6(PCLO):c.10400G>C (p.Ser3467Thr)

Gene: PCLO (piccolo presynaptic cytomatrix protein; minus strand). Cytogenetic location: 7q21.11.
Variant type: single nucleotide variant.
Coding change: c.10400G>C on transcript NM_033026.6 (MANE Select); coding-DNA position 10400, G replaced by C.
Protein change: p.Ser3467Thr; replaces serine 3467 with threonine.
Molecular consequence: missense variant.
Genome position (GRCh38, 1-based): chr7:82,950,188, C>G on the plus strand (G>C on the coding strand, the complement: PCLO is on the minus strand). VCF-style: chr7-82950188-C-G. GRCh37 (hg19) VCF-style: chr7-82579504-C-G.
Other names: c.10400G>C, p.Ser3467Thr (NM_014510.3); short protein forms S3467T.
Identifiers: ClinVar variation 2007042 (VCV002007042.4), dbSNP rs767456374, ClinGen allele CA367903977.
Genomic context (GRCh38, chr7:82,950,188, plus strand): 5'-CTAGTAGGCATATCCCACTCATCCTGATCTTCATCATCAGTTTGGACGCTTGTATCCACA[C>G]TCTTTTTAGTTCTCCTTCTCCTACTCACATAGCTCCGATCTGTGGCATCTTCGTCATCCG-3'
Protein context (NP_149015.2, residues 3457-3477): YVSRRRRTKK[Ser3467Thr]VDTSVQTDDE